The following is an entry in ClinVar:

ClinVar aggregate classification (germline): Likely pathogenic (1 of 4 stars; one submission).

Conditions:
Hereditary cancer-predisposing syndrome. Also called: Hereditary Cancer Syndrome; Hereditary neoplastic syndrome; Neoplastic Syndromes, Hereditary; Tumor predisposition. Identifiers: Orphanet 140162, MedGen C0027672, MeSH D009386, MONDO:0015356.

Submission:

Hereditary Cancer Laboratory, Hospital Universitario 12 de Octubre
Classification: Likely pathogenic for Hereditary cancer-predisposing syndrome. Last evaluated: 2024-11-05. Review status: criteria provided, single submitter. Criteria: ACMG Guidelines, 2015. Collection method: clinical testing. Allele origin: germline.
Comment: PVS1 + PM2

NM_000321.3(RB1):c.335_341delinsTG (p.Glu112fs)

Gene: RB1 (RB transcriptional corepressor 1; plus strand). Cytogenetic location: 13q14.2.
Variant type: Indel.
Coding change: c.335_341delinsTG on transcript NM_000321.3 (MANE Select); coding-DNA positions 335 to 341, AGATGTC replaced by TG.
Protein change: p.Glu112fs; shifts the reading frame from glutamic acid 112.
Molecular consequence: frameshift variant.
Genome position (GRCh38, 1-based): chr13:48,342,669-48,342,675, AGATGTC replaced by TG. VCF-style: chr13-48342669-AGATGTC-TG. GRCh37 (hg19) VCF-style: chr13-48916805-AGATGTC-TG.
Other names: c.335_341delinsTG, p.Glu112fs (NM_001407165.1, NM_001407166.1); short protein forms E112fs.
Identifiers: ClinVar variation 3906173 (VCV003906173.1).